The following is an entry in ClinVar:

NM_002335.4(LRP5):c.3990G>A (p.Ala1330=)

Gene: LRP5 (LDL receptor related protein 5; plus strand). Cytogenetic location: 11q13.2.
Variant type: single nucleotide variant.
Coding change: c.3990G>A on transcript NM_002335.4 (MANE Select); coding-DNA position 3990, G replaced by A.
Protein change: p.Ala1330=; no amino-acid change (alanine 1330 retained).
Molecular consequence: synonymous variant.
Genome position (GRCh38, 1-based): chr11:68,433,828, G>A. VCF-style: chr11-68433828-G-A. GRCh37 (hg19) VCF-style: chr11-68201296-G-A.
Other names: c.2247G>A, p.Ala749= (NM_001291902.2).
Identifiers: ClinVar variation 194837 (VCV000194837.23), dbSNP rs147637431, ClinGen allele CA241024.

ClinVar aggregate classification (germline): Conflicting classifications of pathogenicity. Review status: criteria provided, conflicting classifications (1 of 4 stars). 8 submissions from 8 submitters: Uncertain significance (1); Benign (2); Likely benign (3). 2 of the submissions do not count toward it. Last evaluated 2026-09-01.

Allele frequency attached by ClinVar (database versions not stated): gnomAD exomes 0.00022 and 0.00030; ExAC 0.00036; ESP Exome Variant Server 0.00077; 1000 Genomes Project 30x 0.00078; 1000 Genomes Project 0.00080; gnomAD 0.00098 and 0.00108; TOPMed 0.00117.
gnomAD v4.1: 477 of 1,612,212 alleles (0.03%); highest among the groups gnomAD compares: African/African-American, 0.29%; 2 homozygotes.

Submissions (8):

CeGaT Center for Human Genetics Tuebingen
Classification: Likely benign. Last evaluated: 2026-09-01. Review status: criteria provided, single submitter. Criteria: CeGaT Center For Human Genetics Tuebingen Variant Classification Criteria Version 2. Collection method: clinical testing. Allele origin: germline. Affected: yes. Observed: 1 variant allele.
Comment: LRP5: BP4, BP7

Women's Health and Genetics/Laboratory Corporation of America, LabCorp
Classification: Benign. Last evaluated: 2026-06-11. Review status: criteria provided, single submitter. Criteria: LabCorp Variant Classification Summary - May 2015. Collection method: clinical testing. Allele origin: germline.

Labcorp Genetics (formerly Invitae), Labcorp
Classification: Benign. Last evaluated: 2025-12-26. Review status: criteria provided, single submitter. Criteria: Invitae Variant Classification Sherloc (09022015). Collection method: clinical testing. Allele origin: germline.

Blueprint Genetics
Classification: Likely benign. Last evaluated: 2024-11-26. Review status: criteria provided, single submitter. Criteria: ACMG Guidelines, 2015. Collection method: clinical testing. Allele origin: germline.

GeneDx
Classification: Likely benign. Last evaluated: 2021-05-27. Review status: criteria provided, single submitter. Criteria: GeneDx Variant Classification Process June 2021. Collection method: clinical testing. Allele origin: germline. Affected: yes.

Eurofins Ntd Llc (ga)
Classification: Uncertain significance. Last evaluated: 2017-08-08. Review status: criteria provided, single submitter. Criteria: EGL Classification Definitions 2015. Collection method: clinical testing. Allele origin: germline. Observed: 2 variant alleles, 2 heterozygotes.

Clinical Genetics DNA and cytogenetics Diagnostics Lab, Erasmus MC, Erasmus Medical Center
Classification: Likely benign. Review status: no assertion criteria provided. Collection method: clinical testing. Allele origin: germline. Affected: yes. Study: VKGL Data-share Consensus. Not counted in ClinVar's aggregate classification.

Clinical Genetics, Academic Medical Center
Classification: Likely benign. Review status: no assertion criteria provided. Collection method: clinical testing. Allele origin: germline. Affected: yes. Study: VKGL Data-share Consensus. Not counted in ClinVar's aggregate classification.